The following is an entry in ClinVar:

ClinVar aggregate classification (germline): Uncertain significance (1 of 4 stars; one submission).

Conditions:
Charcot-Marie-Tooth Neuropathy X. Identifiers: MedGen CN118851.

Submission:

Labcorp Genetics (formerly Invitae), Labcorp
Classification: Uncertain significance for Charcot-Marie-Tooth Neuropathy X. Last evaluated: 2023-02-14. Review status: criteria provided, single submitter. Criteria: Invitae Variant Classification Sherloc (09022015). Collection method: clinical testing. Allele origin: germline.
Comment: This sequence change replaces cysteine, which is neutral and slightly polar, with serine, which is neutral and polar, at codon 201 of the GJB1 protein (p.Cys201Ser). This variant is not present in population databases (gnomAD no frequency). This missense change has been observed in individual(s) with clinical features of Charcot-Marie-Tooth disease (Invitae). ClinVar contains an entry for this variant (Variation ID: 1013946). Advanced modeling of protein sequence and biophysical properties (such as structural, functional, and spatial information, amino acid conservation, physicochemical variation, residue mobility, and thermodynamic stability) performed at Invitae indicates that this missense variant is not expected to disrupt GJB1 protein function. This variant disrupts the p.Cys201 amino acid residue in GJB1. Other variant(s) that disrupt this residue have been determined to be pathogenic (PMID: 9452025, 17100997). This suggests that this residue is clinically significant, and that variants that disrupt this residue are likely to be disease-causing. In summary, the available evidence is currently insufficient to determine the role of this variant in disease. Therefore, it has been classified as a Variant of Uncertain Significance.

Literature cited by the submitters: PubMed 9452025; PubMed 17100997.

NM_000166.6(GJB1):c.602G>C (p.Cys201Ser)

Gene: GJB1 (gap junction protein beta 1; plus strand). Cytogenetic location: Xq13.1.
Variant type: single nucleotide variant.
Coding change: c.602G>C on transcript NM_000166.6 (MANE Select); coding-DNA position 602, G replaced by C.
Protein change: p.Cys201Ser; replaces cysteine 201 with serine.
Molecular consequence: missense variant.
Genome position (GRCh38, 1-based): chrX:71,224,309, G>C. VCF-style: chrX-71224309-G-C. GRCh37 (hg19) VCF-style: chrX-70444159-G-C.
Other names: c.602G>C, p.Cys201Ser (NM_001097642.3); short protein forms C201S.
Identifiers: ClinVar variation 1013946 (VCV001013946.8), dbSNP rs1602349730, ClinGen allele CA413503268.
Genomic context (GRCh38, chrX:71,224,309, plus strand): 5'-TGTCCCGCCCCACCGAGAAAACCGTCTTCACCGTCTTCATGCTAGCTGCCTCTGGCATCT[G>C]CATCATCCTCAATGTGGCCGAGGTGGTGTACCTCATCATCCGGGCCTGTGCCCGCCGAGC-3'
Protein context (NP_000157.1, residues 191-211): TVFMLAASGI[Cys201Ser]IILNVAEVVY